The following is an entry in ClinVar:

NM_000143.4(FH):c.587A>G (p.His196Arg)

Gene: FH (fumarate hydratase; minus strand). Cytogenetic location: 1q43.
Variant type: single nucleotide variant.
Coding change: c.587A>G on transcript NM_000143.4 (MANE Select); coding-DNA position 587, A replaced by G.
Protein change: p.His196Arg; replaces histidine 196 with arginine.
Molecular consequence: missense variant.
Genome position (GRCh38, 1-based): chr1:241,508,754, T>C on the plus strand (A>G on the coding strand, the complement: FH is on the minus strand). VCF-style: chr1-241508754-T-C. GRCh37 (hg19) VCF-style: chr1-241672054-T-C.
Other names: short protein forms H196R.
Identifiers: ClinVar variation 429175 (VCV000429175.7), dbSNP rs763601207, ClinGen allele CA1478649.

ClinVar aggregate classification (germline): Pathogenic/Likely pathogenic. Review status: criteria provided, multiple submitters, no conflicts (2 of 4 stars). 2 submissions from 2 submitters: Pathogenic (1); Likely pathogenic (1). Last evaluated 2026-05-07.

Conditions:
Hereditary cancer-predisposing syndrome. Also called: Tumor predisposition; Hereditary Cancer Syndrome; Hereditary neoplastic syndrome; Neoplastic Syndromes, Hereditary. Identifiers: Orphanet 140162, MedGen C0027672, MeSH D009386, MONDO:0015356.
FH-related disorder. Also called: FH-related disorders; FH-related condition.

Allele frequency attached by ClinVar (database versions not stated): gnomAD exomes below 0.00001; ExAC 0.00001.
gnomAD v4.1: 1 of 1,613,614 alleles (0.000062%); highest among the groups gnomAD compares: Non-Finnish European, 0.000085%; no homozygotes.

Submissions (2):

Ambry Genetics
Classification: Likely pathogenic for Hereditary cancer-predisposing syndrome. Last evaluated: 2026-05-07. Review status: criteria provided, single submitter. Criteria: Ambry Variant Classification Scheme 2023. Collection method: clinical testing. Allele origin: germline.
Comment: The p.H196R variant (also known as c.587A>G), located in coding exon 5 of the FH gene, results from an A to G substitution at nucleotide position 587. The histidine at codon 196 is replaced by arginine, an amino acid with highly similar properties. This variant was reported in individual(s) with features consistent with FH-related tumor predisposition (Kiuru M et al. Cancer Res., 2002 Aug;62:4554-7; Uimari O et al. Acta Obstet Gynecol Scand, 2021 Nov;100:2066-2075); Ambry internal data). Functional studies in yeast suggest mutant strains retained residual enzyme activity but substantially reduced enzyme activity compared with wild type; however, the physiological relevance of this finding is unclear (Kokko A et al. Int J Cancer, 2006 Mar;118:1340-5). This amino acid position is highly conserved in available vertebrate species. In addition, this alteration is predicted to be deleterious by in silico analysis. This variant is considered to be rare based on population cohorts in the Genome Aggregation Database (gnomAD). Based on the majority of available evidence to date, this variant is likely to be pathogenic.

Blueprint Genetics
Classification: Pathogenic for FH-related disorders. Last evaluated: 2024-11-11. Review status: criteria provided, single submitter. Criteria: ACMG Guidelines, 2015. Collection method: clinical testing. Allele origin: germline. Affected: yes. Observed: 4 variant alleles.

Literature cited by the submitters: PubMed 12183404 (cited by Ambry Genetics); PubMed 16206287 (cited by Ambry Genetics); PubMed 34480341 (cited by Ambry Genetics).